The following is an entry in ClinVar:

ClinVar aggregate classification (germline): Uncertain significance (1 of 4 stars; one submission).

Allele frequency attached by ClinVar (database versions not stated): gnomAD 0.00004; TOPMed 0.00005; 1000 Genomes Project 0.00040; 1000 Genomes Project 30x 0.00047.
gnomAD v4.1: 9 of 1,613,006 alleles (0.00056%); highest among the groups gnomAD compares: African/African-American, 0.011%; no homozygotes.

Submission:

Labcorp Genetics (formerly Invitae), Labcorp
Classification: Uncertain significance. Last evaluated: 2022-06-29. Review status: criteria provided, single submitter. Criteria: Invitae Variant Classification Sherloc (09022015). Collection method: clinical testing. Allele origin: germline.
Comment: In summary, the available evidence is currently insufficient to determine the role of this variant in disease. Therefore, it has been classified as a Variant of Uncertain Significance. Algorithms developed to predict the effect of sequence changes on RNA splicing suggest that this variant may create or strengthen a splice site. This variant has not been reported in the literature in individuals affected with MAST1-related conditions. This variant is present in population databases (rs529492662, gnomAD 0.02%). This sequence change falls in intron 3 of the MAST1 gene. It does not directly change the encoded amino acid sequence of the MAST1 protein.

NM_014975.3(MAST1):c.249-4C>G

Gene: MAST1 (microtubule associated serine/threonine kinase 1; plus strand). Cytogenetic location: 19p13.13.
Variant type: single nucleotide variant.
Coding change: c.249-4C>G on transcript NM_014975.3 (MANE Select); 4 bases into the intron before coding-DNA position 249, C replaced by G.
Molecular consequence: intron variant.
Genome position (GRCh38, 1-based): chr19:12,843,525, C>G. VCF-style: chr19-12843525-C-G. GRCh37 (hg19) VCF-style: chr19-12954339-C-G.
Identifiers: ClinVar variation 2026505 (VCV002026505.4), dbSNP rs529492662, ClinGen allele CA9232559.
Genomic context (GRCh38, chr19:12,843,525, plus strand): 5'-CACCCTGAGGAGTTGGGGGACCGCTGGGGCCTTGTGGCCTCTGAGCACCTTGGCTGGGTT[C>G]CAGGGCGGACGGACGCCGGTGGTCTCTGGCCTCGCTCCCTTCATCTGGCTATGGCACCAA-3'